The following is an entry in ClinVar:

NM_133510.4(RAD51B):c.830C>G (p.Ala277Gly)

Gene: RAD51B (RAD51 paralog B; plus strand). Cytogenetic location: 14q24.1.
Variant type: single nucleotide variant.
Coding change: c.830C>G on transcript NM_133510.4 (MANE Select); coding-DNA position 830, C replaced by G.
Protein change: p.Ala277Gly; replaces alanine 277 with glycine.
Molecular consequence: missense variant.
Genome position (GRCh38, 1-based): chr14:68,291,957, C>G. VCF-style: chr14-68291957-C-G. GRCh37 (hg19) VCF-style: chr14-68758674-C-G.
Other names: c.830C>G, p.Ala277Gly (NM_001321809.2, NM_001321810.2, NM_001321812.1 and 6 more transcripts); c.716C>G, p.Ala239Gly (NM_001321815.1); c.473C>G, p.Ala158Gly (NM_001321817.2); short protein forms A158G, A239G, A277G.
Identifiers: ClinVar variation 4575301 (VCV004575301.1).

ClinVar aggregate classification (germline): Uncertain significance (1 of 4 stars; one submission).

Submission:

Ambry Genetics
Classification: Uncertain significance. Last evaluated: 2025-10-28. Review status: criteria provided, single submitter. Criteria: Ambry Variant Classification Scheme 2023. Collection method: clinical testing. Allele origin: germline.
Comment: The p.A277G variant (also known as c.830C>G), located in coding exon 7 of the RAD51B gene, results from a C to G substitution at nucleotide position 830. The alanine at codon 277 is replaced by glycine, an amino acid with similar properties. This amino acid position is conserved. In addition, this alteration is predicted to be tolerated by in silico analysis. Based on the available evidence, the clinical significance of this variant remains unclear.